The following is an entry in ClinVar:

NM_002303.6(LEPR):c.594G>A (p.Val198=)

Gene: LEPR (leptin receptor; plus strand). Cytogenetic location: 1p31.3.
Variant type: single nucleotide variant.
Coding change: c.594G>A on transcript NM_002303.6 (MANE Select); coding-DNA position 594, G replaced by A.
Protein change: p.Val198=; no amino-acid change (valine 198 retained).
Molecular consequence: synonymous variant.
Genome position (GRCh38, 1-based): chr1:65,592,756, G>A. VCF-style: chr1-65592756-G-A. GRCh37 (hg19) VCF-style: chr1-66058439-G-A.
Other names: c.594G>A, p.Val198= (NM_001003679.3, NM_001003680.3, NM_001198687.2 and 2 more transcripts).
Identifiers: ClinVar variation 875835 (VCV000875835.17), dbSNP rs140347630, ClinGen allele CA894591.

ClinVar aggregate classification (germline): Conflicting classifications of pathogenicity. Review status: criteria provided, conflicting classifications (1 of 4 stars). 5 submissions from 5 submitters: Uncertain significance (1); Benign (1); Likely benign (3). Last evaluated 2026-06-01.

Conditions:
Obesity due to leptin receptor gene deficiency. Identifiers: Orphanet 179494, MedGen C3554225, MONDO:0013992, OMIM 614963.

Allele frequency attached by ClinVar (database versions not stated): 1000 Genomes Project 30x 0.00016; 1000 Genomes Project 0.00020; gnomAD 0.00068 and 0.00072; TOPMed 0.00074; ESP Exome Variant Server 0.00077; gnomAD exomes 0.00087; ExAC 0.00110.
gnomAD v4.1: 2,269 of 1,613,278 alleles (0.14%); highest among the groups gnomAD compares: Non-Finnish European, 0.18%; 2 homozygotes.

Submissions (5):

CeGaT Center for Human Genetics Tuebingen
Classification: Likely benign. Last evaluated: 2026-06-01. Review status: criteria provided, single submitter. Criteria: CeGaT Center For Human Genetics Tuebingen Variant Classification Criteria Version 2. Collection method: clinical testing. Allele origin: germline. Affected: yes. Observed: 2 variant alleles.
Comment: LEPR: BP4, BP7

Labcorp Genetics (formerly Invitae), Labcorp
Classification: Benign. Last evaluated: 2025-06-24. Review status: criteria provided, single submitter. Criteria: Invitae Variant Classification Sherloc (09022015). Collection method: clinical testing. Allele origin: germline.

Blueprint Genetics
Classification: Likely benign. Last evaluated: 2024-10-11. Review status: criteria provided, single submitter. Criteria: ACMG Guidelines, 2015. Collection method: clinical testing. Allele origin: germline.

Genetic Services Laboratory, University of Chicago
Classification: Likely benign. Last evaluated: 2019-05-29. Review status: criteria provided, single submitter. Criteria: ACMG Guidelines, 2015. Collection method: clinical testing. Allele origin: germline. Affected: no.

Illumina Laboratory Services, Illumina
Classification: Uncertain significance for Obesity due to leptin receptor gene deficiency. Last evaluated: 2018-01-13. Review status: criteria provided, single submitter. Criteria: ICSL Variant Classification Criteria 13 December 2019. Collection method: clinical testing. Allele origin: germline.